The following is an entry in ClinVar:

ClinVar aggregate classification (germline): Pathogenic (1 of 4 stars; one submission).

Conditions:
Hereditary cancer-predisposing syndrome. Also called: Hereditary Cancer Syndrome; Neoplastic Syndromes, Hereditary; Hereditary neoplastic syndrome; Tumor predisposition. Identifiers: Orphanet 140162, MedGen C0027672, MeSH D009386, MONDO:0015356.

Allele frequency attached by ClinVar (database versions not stated): gnomAD exomes below 0.00001.
gnomAD v4.1: 1 of 1,614,170 alleles (0.000062%); highest among the groups gnomAD compares: Non-Finnish European, 0.000085%; no homozygotes.

Submission:

Ambry Genetics
Classification: Pathogenic for Hereditary cancer-predisposing syndrome. Last evaluated: 2013-12-11. Review status: criteria provided, single submitter. Criteria: Ambry Autosomal Dominant and X-Linked criteria (10/2015). Collection method: clinical testing. Allele origin: germline. Observed: 1 variant allele.
Comment: Ã¢â‚¬â€¹The p.C375X pathogenic mutation (also known as c.1125T>A), located in coding exon 12 of the MUTYH gene, results from a T to A substitution at nucleotide position 1125. This changes the amino acid from a cysteine to a stop codon within coding exon 12. Since premature stop codons are typically deleterious in nature, this alteration is interpreted as a disease-causing mutation (ACMG Recommendations for Standards for Interpretation and Reporting of Sequence Variations. Revision 2007. Genet Med. 2008;10:294).

NM_001048174.2(MUTYH):c.1041T>A (p.Cys347Ter)

Gene: MUTYH (mutY DNA glycosylase; minus strand). Cytogenetic location: 1p34.1.
Variant type: single nucleotide variant.
Coding change: c.1041T>A on transcript NM_001048174.2 (MANE Select); coding-DNA position 1041, T replaced by A.
Protein change: p.Cys347Ter; replaces cysteine 347 with a stop codon.
Molecular consequence: nonsense. On other transcripts: non-coding transcript variant (2).
Genome position (GRCh38, 1-based): chr1:45,331,722, A>T on the plus strand (T>A on the coding strand, the complement: MUTYH is on the minus strand). VCF-style: chr1-45331722-A-T. GRCh37 (hg19) VCF-style: chr1-45797394-A-T.
Other names: c.1041T>A, p.Cys347Ter (NM_001048171.2, NM_001048173.2, NM_001293195.2); c.1044T>A, p.Cys348Ter (NM_001048172.2); c.1125T>A, p.Cys375Ter (NM_001128425.2); c.1086T>A, p.Cys362Ter (NM_001293190.2); c.1074T>A, p.Cys358Ter (NM_001293191.2); c.765T>A, p.Cys255Ter (NM_001293192.2, NM_001293196.2); c.696T>A, p.Cys232Ter (NM_001350650.2, NM_001350651.2); c.1116T>A, p.Cys372Ter (NM_012222.3); short protein forms C375*, C347*, C348*, C362*, C232*, C358*, C372*, C255*.
Identifiers: ClinVar variation 428282 (VCV000428282.3), dbSNP rs1114167685, ClinGen allele CA340133475.